The following is an entry in ClinVar:

NM_001039958.2(MESP2):c.287C>A (p.Thr96Lys)

Genes: MESP2 (mesoderm posterior bHLH transcription factor 2; plus strand), LOC130057891 (ATAC-STARR-seq lymphoblastoid silent region 6806; plus strand). Cytogenetic location: 15q26.1.
Variant type: single nucleotide variant.
Coding change: c.287C>A on transcript NM_001039958.2 (MANE Select); coding-DNA position 287, C replaced by A.
Protein change: p.Thr96Lys; replaces threonine 96 with lysine.
Molecular consequence: missense variant.
Genome position (GRCh38, 1-based): chr15:89,776,644, C>A. VCF-style: chr15-89776644-C-A. GRCh37 (hg19) VCF-style: chr15-90319875-C-A.
Other names: short protein forms T96K.
Identifiers: ClinVar variation 2805462 (VCV002805462.3), dbSNP rs2505185574, ClinGen allele CA393769526.
Genomic context (GRCh38, chr15:89,776,644, plus strand): 5'-CCGGACCAGCGGGCGGACAGCGGCAGAGCGCCAGCGAGCGGGAGAAACTGCGCATGCGCA[C>A]GCTGGCCCGCGCCCTGCACGAGTTGCGCCGCTTTCTGCCTCCCTCCTTGGCGCCGGCCGG-3'
Protein context (NP_001035047.1, residues 86-106): ASEREKLRMR[Thr96Lys]LARALHELRR

ClinVar aggregate classification (germline): Uncertain significance (1 of 4 stars; one submission).

Submission:

Labcorp Genetics (formerly Invitae), Labcorp
Classification: Uncertain significance. Last evaluated: 2024-01-22. Review status: criteria provided, single submitter. Criteria: Invitae Variant Classification Sherloc (09022015). Collection method: clinical testing. Allele origin: germline.
Comment: This sequence change replaces threonine, which is neutral and polar, with lysine, which is basic and polar, at codon 96 of the MESP2 protein (p.Thr96Lys). This variant is not present in population databases (gnomAD no frequency). This variant has not been reported in the literature in individuals affected with MESP2-related conditions. Advanced modeling of protein sequence and biophysical properties (such as structural, functional, and spatial information, amino acid conservation, physicochemical variation, residue mobility, and thermodynamic stability) performed at Invitae indicates that this missense variant is not expected to disrupt MESP2 protein function with a negative predictive value of 80%. In summary, the available evidence is currently insufficient to determine the role of this variant in disease. Therefore, it has been classified as a Variant of Uncertain Significance.